The following is an entry in ClinVar:

ClinVar aggregate classification (germline): Likely pathogenic (1 of 4 stars; one submission).

Conditions:
Developmental and epileptic encephalopathy, 9 (DEE9). Also called: Early infantile epileptic encephalopathy 9; EPILEPSY, FEMALE-RESTRICTED, WITH MENTAL RETARDATION; JUBERG-HELLMAN SYNDROME; PCDH19-Related X-Linked Female-Limited Epilepsy with Mental Retardation. Identifiers: Orphanet 101039, Orphanet 2076, MedGen C1848137, MONDO:0010246, OMIM 300088. Disease mechanism: loss of function.

Allele frequency attached by ClinVar (database versions not stated): gnomAD exomes below 0.00001.
gnomAD v4.1: 1 of 1,212,010 alleles (0.000083%); highest among the groups gnomAD compares: Non-Finnish European, 0.00011%; no homozygotes.

Submission:

Labcorp Genetics (formerly Invitae), Labcorp
Classification: Likely pathogenic for Developmental and epileptic encephalopathy, 9. Last evaluated: 2023-02-18. Review status: criteria provided, single submitter. Criteria: Invitae Variant Classification Sherloc (09022015). Collection method: clinical testing. Allele origin: germline.
Comment: This variant is not present in population databases (gnomAD no frequency). In summary, the currently available evidence indicates that the variant is pathogenic, but additional data are needed to prove that conclusively. Therefore, this variant has been classified as Likely Pathogenic. This sequence change replaces threonine, which is neutral and polar, with methionine, which is neutral and non-polar, at codon 146 of the PCDH19 protein (p.Thr146Met). This variant has not been reported in the literature in individuals affected with PCDH19-related conditions. Advanced modeling of protein sequence and biophysical properties (such as structural, functional, and spatial information, amino acid conservation, physicochemical variation, residue mobility, and thermodynamic stability) performed at Invitae indicates that this missense variant is expected to disrupt PCDH19 protein function. This variant disrupts the p.Thr146 amino acid residue in PCDH19. Other variant(s) that disrupt this residue have been determined to be pathogenic (PMID: 21053371, 27787195; Invitae). This suggests that this residue is clinically significant, and that variants that disrupt this residue are likely to be disease-causing.

Literature cited by the submitters: PubMed 21053371; PubMed 27787195.

NM_001184880.2(PCDH19):c.437C>T (p.Thr146Met)

Gene: PCDH19 (protocadherin 19; minus strand). Cytogenetic location: Xq22.1.
Variant type: single nucleotide variant.
Coding change: c.437C>T on transcript NM_001184880.2 (MANE Select); coding-DNA position 437, C replaced by T.
Protein change: p.Thr146Met; replaces threonine 146 with methionine.
Molecular consequence: missense variant.
Genome position (GRCh38, 1-based): chrX:100,408,161, G>A on the plus strand (C>T on the coding strand, the complement: PCDH19 is on the minus strand). VCF-style: chrX-100408161-G-A. GRCh37 (hg19) VCF-style: chrX-99663159-G-A.
Other names: c.437C>T, p.Thr146Met (NM_001105243.2, NM_020766.3); short protein forms T146M.
Identifiers: ClinVar variation 2964915 (VCV002964915.3), dbSNP rs796052799, ClinGen allele CA414009702.